The following is an entry in ClinVar:

ClinVar aggregate classification (germline): Pathogenic (1 of 4 stars; one submission).

Submission:

Labcorp Genetics (formerly Invitae), Labcorp
Classification: Pathogenic. Last evaluated: 2022-03-31. Review status: criteria provided, single submitter. Criteria: Invitae Variant Classification Sherloc (09022015). Collection method: clinical testing. Allele origin: germline.
Comment: This variant has not been reported in the literature in individuals affected with CYP11B2-related conditions. For these reasons, this variant has been classified as Pathogenic. This variant is not present in population databases (gnomAD no frequency). This sequence change creates a premature translational stop signal (p.Leu416*) in the CYP11B2 gene. It is expected to result in an absent or disrupted protein product. Loss-of-function variants in CYP11B2 are known to be pathogenic (PMID: 20494601, 22801770, 26936515).

Literature cited by the submitters: PubMed 20494601; PubMed 22801770; PubMed 26936515.

NM_000498.3(CYP11B2):c.1247T>A (p.Leu416Ter)

Genes: CYP11B2 (cytochrome P450 family 11 subfamily B member 2; minus strand), LOC106799834 (CYP11B2 recombination region; plus strand). Cytogenetic location: 8q24.3.
Variant type: single nucleotide variant.
Coding change: c.1247T>A on transcript NM_000498.3 (MANE Select); coding-DNA position 1247, T replaced by A.
Protein change: p.Leu416Ter; replaces leucine 416 with a stop codon.
Molecular consequence: nonsense.
Genome position (GRCh38, 1-based): chr8:142,912,681, A>T on the plus strand (T>A on the coding strand, the complement: CYP11B2 is on the minus strand). VCF-style: chr8-142912681-A-T. GRCh37 (hg19) VCF-style: chr8-143994097-A-T.
Other names: short protein forms L416*.
Identifiers: ClinVar variation 2119763 (VCV002119763.4), dbSNP rs1817559457, ClinGen allele CA372386681.